The following is an entry in ClinVar:

NM_007194.4(CHEK2):c.64C>T (p.His22Tyr)

Gene: CHEK2 (checkpoint kinase 2; minus strand). Cytogenetic location: 22q12.1.
Variant type: single nucleotide variant.
Coding change: c.64C>T on transcript NM_007194.4 (MANE Select); coding-DNA position 64, C replaced by T.
Protein change: p.His22Tyr; replaces histidine 22 with tyrosine.
Molecular consequence: missense variant.
Genome position (GRCh38, 1-based): chr22:28,734,658, G>A on the plus strand (C>T on the coding strand, the complement: CHEK2 is on the minus strand). VCF-style: chr22-28734658-G-A. GRCh37 (hg19) VCF-style: chr22-29130646-G-A.
Other names: c.64C>T, p.His22Tyr (NM_001005735.3, NM_001349956.3, NM_145862.3); c.-714C>T (NM_001257387.3); short protein forms H22Y.
Identifiers: ClinVar variation 826450 (VCV000826450.16), dbSNP rs1601853823, ClinGen allele CA411091760.
Genomic context (GRCh38, chr22:28,734,658, plus strand): 5'-AGGAGCTGGATATGCCCTGGGACTGTGAGGAGGAGCCTTGGGACTGGGTAACGCTGCCAT[G>A]GGGCTGTGAACAGGCACTGCTGCCATGAGACTGCTGAGCCTCAACATCCGACTCCCGAGA-3'
Protein context (NP_009125.1, residues 12-32): SHGSSACSQP[His22Tyr]GSVTQSQGSS

ClinVar aggregate classification (germline): Uncertain significance. Review status: criteria provided, multiple submitters, no conflicts (2 of 4 stars). 3 submissions from 3 submitters: Uncertain significance (3). Last evaluated 2025-11-26.

Conditions:
Familial cancer of breast. Also called: BREAST CANCER, FAMILIAL; Hereditary breast cancer; hereditary breast carcinoma. Identifiers: Orphanet 227535, MedGen C0346153, MONDO:0016419, OMIM 114480. Disease mechanism: loss of function.
Hereditary cancer-predisposing syndrome. Also called: Neoplastic Syndromes, Hereditary; Tumor predisposition; Hereditary neoplastic syndrome; Hereditary Cancer Syndrome. Identifiers: Orphanet 140162, MedGen C0027672, MeSH D009386, MONDO:0015356.

Submissions (3):

Ambry Genetics
Classification: Uncertain significance for Hereditary cancer-predisposing syndrome. Last evaluated: 2025-11-26. Review status: criteria provided, single submitter. Criteria: Ambry Variant Classification Scheme 2023. Collection method: clinical testing. Allele origin: germline.
Comment: The p.H22Y variant (also known as c.64C>T), located in coding exon 1 of the CHEK2 gene, results from a C to T substitution at nucleotide position 64. The histidine at codon 22 is replaced by tyrosine, an amino acid with similar properties. This amino acid position is not well conserved in available vertebrate species. In addition, the in silico prediction for this alteration is inconclusive. Since supporting evidence is limited at this time, the clinical significance of this alteration remains unclear.

Labcorp Genetics (formerly Invitae), Labcorp
Classification: Uncertain significance for Familial cancer of breast. Last evaluated: 2023-10-29. Review status: criteria provided, single submitter. Criteria: Invitae Variant Classification Sherloc (09022015). Collection method: clinical testing. Allele origin: germline.
Comment: This sequence change replaces histidine, which is basic and polar, with tyrosine, which is neutral and polar, at codon 22 of the CHEK2 protein (p.His22Tyr). This variant is not present in population databases (gnomAD no frequency). This variant has not been reported in the literature in individuals affected with CHEK2-related conditions. ClinVar contains an entry for this variant (Variation ID: 826450). An algorithm developed to predict the effect of missense changes on protein structure and function (PolyPhen-2) suggests that this variant is likely to be tolerated. In summary, the available evidence is currently insufficient to determine the role of this variant in disease. Therefore, it has been classified as a Variant of Uncertain Significance.

GeneDx
Classification: Uncertain significance. Last evaluated: 2019-10-24. Review status: criteria provided, single submitter. Criteria: GeneDx Variant Classification Process June 2021. Collection method: clinical testing. Allele origin: germline. Affected: yes.
Comment: Not observed in large population cohorts (Lek 2016); In silico analysis, which includes protein predictors and evolutionary conservation, supports that this variant does not alter protein structure/function; Has not been previously published as pathogenic or benign to our knowledge